The following is an entry in ClinVar:

NM_001378615.1(CC2D2A):c.4289T>C (p.Val1430Ala)

Genes: CC2D2A (coiled-coil and C2 domain containing 2A; plus strand), FBXL5 (F-box and leucine rich repeat protein 5; minus strand). Cytogenetic location: 4p15.32.
Variant type: single nucleotide variant.
Coding change: c.4289T>C on transcript NM_001378615.1 (MANE Select); coding-DNA position 4289, T replaced by C.
Protein change: p.Val1430Ala; replaces valine 1430 with alanine.
Molecular consequence: missense variant.
Genome position (GRCh38, 1-based): chr4:15,589,654, T>C. VCF-style: chr4-15589654-T-C. GRCh37 (hg19) VCF-style: chr4-15591277-T-C.
Other names: c.4289T>C, p.Val1430Ala (NM_001080522.2); c.4142T>C, p.Val1381Ala (NM_001378617.1); short protein forms V1430A, V1381A.
Identifiers: ClinVar variation 217594 (VCV000217594.4), dbSNP rs863225168, ClinGen allele CA279397.
Genomic context (GRCh38, chr4:15,589,654, plus strand): 5'-GGAATCCCTGCAGTGGACATTTTTATGGACAATTTGATACATTCTGTCCCTTGAAAAATG[T>C]GGGCTGTTTAATAGGTCCTGACAATGTAAGTATTAACATTTCTTCTTAAATATGGTTAGC-3'
Protein context (NP_001365544.1, residues 1420-1440): QFDTFCPLKN[Val1430Ala]GCLIGPDNIW

ClinVar aggregate classification (germline): Pathogenic/Likely pathogenic. Review status: criteria provided, multiple submitters, no conflicts (2 of 4 stars). 2 submissions from 2 submitters: Pathogenic (1); Likely pathogenic (1). Last evaluated 2023-06-20.

Conditions:
Joubert syndrome 9 (JBTS9). Identifiers: Orphanet 2318, MedGen C2676788, MONDO:0012849, OMIM 612285.
Joubert syndrome. Also called: Familial aplasia of the vermis; JOUBERT-BOLTSHAUSER SYNDROME. Identifiers: Orphanet 475, MedGen C5979921, MONDO:0018772.
Meckel-Gruber syndrome. Also called: Dysencephalia splachnocystica; DYSENCEPHALIA SPLANCHNOCYSTICA; GRUBER SYNDROME. Identifiers: Orphanet 564, MedGen C0265215, MONDO:0018921.

Submissions (2):

Labcorp Genetics (formerly Invitae), Labcorp
Classification: Likely pathogenic for Joubert syndrome; Meckel-Gruber syndrome. Last evaluated: 2023-06-20. Review status: criteria provided, single submitter. Criteria: Invitae Variant Classification Sherloc (09022015). Collection method: clinical testing. Allele origin: germline.
Comment: This missense change has been observed in individual(s) with Joubert syndrome (PMID: 22241855). In at least one individual the data is consistent with being in trans (on the opposite chromosome) from a pathogenic variant. It has also been observed to segregate with disease in related individuals. This sequence change replaces valine, which is neutral and non-polar, with alanine, which is neutral and non-polar, at codon 1430 of the CC2D2A protein (p.Val1430Ala). This variant is not present in population databases (gnomAD no frequency). ClinVar contains an entry for this variant (Variation ID: 217594). Advanced modeling of protein sequence and biophysical properties (such as structural, functional, and spatial information, amino acid conservation, physicochemical variation, residue mobility, and thermodynamic stability) has been performed at Invitae for this missense variant, however the output from this modeling did not meet the statistical confidence thresholds required to predict the impact of this variant on CC2D2A protein function. In summary, the currently available evidence indicates that the variant is pathogenic, but additional data are needed to prove that conclusively. Therefore, this variant has been classified as Likely Pathogenic.

UW Hindbrain Malformation Research Program, University of Washington
Classification: Pathogenic for Joubert syndrome 9. Last evaluated: 2015-02-23. Review status: criteria provided, single submitter. Criteria: Bachmann-Gagescu et al. (J Med Genet. 2015). Collection method: research. Allele origin: unknown. Affected: yes.

Literature cited by the submitters: PubMed 22241855 (cited by Labcorp Genetics (formerly Invitae), Labcorp).